The following is an entry in ClinVar:

NM_031220.4(PITPNM3):c.1968G>A (p.Met656Ile)

Gene: PITPNM3 (PITPNM family member 3; minus strand). Cytogenetic location: 17p13.2.
Variant type: single nucleotide variant.
Coding change: c.1968G>A on transcript NM_031220.4 (MANE Select); coding-DNA position 1968, G replaced by A.
Protein change: p.Met656Ile; replaces methionine 656 with isoleucine.
Molecular consequence: missense variant.
Genome position (GRCh38, 1-based): chr17:6,464,694, C>T on the plus strand (G>A on the coding strand, the complement: PITPNM3 is on the minus strand). VCF-style: chr17-6464694-C-T. GRCh37 (hg19) VCF-style: chr17-6368014-C-T.
Other names: c.1860G>A, p.Met620Ile (NM_001165966.2); short protein forms M620I, M656I.
Identifiers: ClinVar variation 3660698 (VCV003660698.2).

ClinVar aggregate classification (germline): Uncertain significance (1 of 4 stars; one submission).

gnomAD v4.1: 1 of 1,614,222 alleles (0.000062%); highest among the groups gnomAD compares: Non-Finnish European, 0.000085%; no homozygotes.

Submission:

Labcorp Genetics (formerly Invitae), Labcorp
Classification: Uncertain significance. Last evaluated: 2024-08-03. Review status: criteria provided, single submitter. Criteria: Invitae Variant Classification Sherloc (09022015). Collection method: clinical testing. Allele origin: germline.
Comment: This sequence change replaces methionine, which is neutral and non-polar, with isoleucine, which is neutral and non-polar, at codon 656 of the PITPNM3 protein (p.Met656Ile). This variant is present in population databases (no rsID available, gnomAD 0.0009%). This variant has not been reported in the literature in individuals affected with PITPNM3-related conditions. Advanced modeling of protein sequence and biophysical properties (such as structural, functional, and spatial information, amino acid conservation, physicochemical variation, residue mobility, and thermodynamic stability) performed at Invitae indicates that this missense variant is not expected to disrupt PITPNM3 protein function with a negative predictive value of 80%. In summary, the available evidence is currently insufficient to determine the role of this variant in disease. Therefore, it has been classified as a Variant of Uncertain Significance.